The following is an entry in ClinVar:

NM_004370.6(COL12A1):c.4309A>G (p.Thr1437Ala)

Gene: COL12A1 (collagen type XII alpha 1 chain; minus strand). Cytogenetic location: 6q13.
Variant type: single nucleotide variant.
Coding change: c.4309A>G on transcript NM_004370.6 (MANE Select); coding-DNA position 4309, A replaced by G.
Protein change: p.Thr1437Ala; replaces threonine 1437 with alanine.
Molecular consequence: missense variant.
Genome position (GRCh38, 1-based): chr6:75,147,783, T>C on the plus strand (A>G on the coding strand, the complement: COL12A1 is on the minus strand). VCF-style: chr6-75147783-T-C. GRCh37 (hg19) VCF-style: chr6-75857499-T-C.
Other names: c.4309A>G, p.Thr1437Ala (NM_001424113.1, NM_001424114.1); c.4036A>G, p.Thr1346Ala (NM_001424115.1); c.817A>G, p.Thr273Ala (NM_001424116.1, NM_080645.3); short protein forms T1346A, T1437A, T273A.
Identifiers: ClinVar variation 4788700 (VCV004788700.1).

ClinVar aggregate classification (germline): Uncertain significance (1 of 4 stars; one submission).

Conditions:
Ullrich congenital muscular dystrophy 2 (UCMD2). Identifiers: Orphanet 75840, MedGen C4225314, MONDO:0014654, OMIM 616470.
Bethlem myopathy 2 (BTHLM2). Identifiers: Orphanet 536516, Orphanet 610, MedGen C4225313, MONDO:0034022, OMIM 616471.

Submission:

Labcorp Genetics (formerly Invitae), Labcorp
Classification: Uncertain significance for Bethlem myopathy 2; Ullrich congenital muscular dystrophy 2. Last evaluated: 2025-12-02. Review status: criteria provided, single submitter. Criteria: Invitae Variant Classification Sherloc (09022015). Collection method: clinical testing. Allele origin: germline.
Comment: This sequence change replaces threonine, which is neutral and polar, with alanine, which is neutral and non-polar, at codon 1437 of the COL12A1 protein (p.Thr1437Ala). This variant is not present in population databases (gnomAD no frequency). This variant has not been reported in the literature in individuals affected with COL12A1-related conditions. Invitae Evidence Modeling of protein sequence and biophysical properties (such as structural, functional, and spatial information, amino acid conservation, physicochemical variation, residue mobility, and thermodynamic stability) indicates that this missense variant is not expected to disrupt COL12A1 protein function with a negative predictive value of 80%. In summary, the available evidence is currently insufficient to determine the role of this variant in disease. Therefore, it has been classified as a Variant of Uncertain Significance.